The following is an entry in ClinVar:

ClinVar aggregate classification (germline): Uncertain significance (1 of 4 stars; one submission).

Conditions:
Hereditary pancreatitis (PCTT). Also called: Hereditary chronic pancreatitis; PRSS1-Related Hereditary Pancreatitis. Identifiers: Orphanet 676, MedGen C0238339, MONDO:0008185, OMIM 167800.

Submission:

Ambry Genetics
Classification: Uncertain significance for Hereditary pancreatitis. Last evaluated: 2025-07-28. Review status: criteria provided, single submitter. Criteria: Ambry Variant Classification Scheme 2023. Collection method: clinical testing. Allele origin: germline.
Comment: The p.H47Y variant (also known as c.139C>T), located in coding exon 2 of the CPA1 gene, results from a C to T substitution at nucleotide position 139. The histidine at codon 47 is replaced by tyrosine, an amino acid with similar properties. This amino acid position is conserved. In addition, this alteration is predicted to be tolerated by in silico analysis. Since supporting evidence is limited at this time, the clinical significance of this alteration remains unclear.

NM_001868.4(CPA1):c.139C>T (p.His47Tyr)

Gene: CPA1 (carboxypeptidase A1; plus strand). Cytogenetic location: 7q32.2.
Variant type: single nucleotide variant.
Coding change: c.139C>T on transcript NM_001868.4 (MANE Select); coding-DNA position 139, C replaced by T.
Protein change: p.His47Tyr; replaces histidine 47 with tyrosine.
Molecular consequence: missense variant.
Genome position (GRCh38, 1-based): chr7:130,381,171, C>T. VCF-style: chr7-130381171-C-T. GRCh37 (hg19) VCF-style: chr7-130021012-C-T.
Other names: short protein forms H47Y.
Identifiers: ClinVar variation 1771727 (VCV001771727.3), dbSNP rs1554411117, ClinGen allele CA369279378.